The following is an entry in ClinVar:

NM_130811.4(SNAP25):c.535G>C (p.Asp179His)

Gene: SNAP25 (synaptosome associated protein 25; plus strand). Cytogenetic location: 20p12.2.
Variant type: single nucleotide variant.
Coding change: c.535G>C on transcript NM_130811.4 (MANE Select); coding-DNA position 535, G replaced by C.
Protein change: p.Asp179His; replaces aspartic acid 179 with histidine.
Molecular consequence: missense variant.
Genome position (GRCh38, 1-based): chr20:10,299,395, G>C. VCF-style: chr20-10299395-G-C. GRCh37 (hg19) VCF-style: chr20-10280043-G-C.
Other names: c.535G>C, p.Asp179His (NM_001322902.2, NM_001322903.2, NM_001322904.2 and 9 more transcripts); short protein forms D179H.
Identifiers: ClinVar variation 4081983 (VCV004081983.2).

ClinVar aggregate classification (germline): Uncertain significance (1 of 4 stars; one submission).

Conditions:
Congenital myasthenic syndrome 18. Also called: MYASTHENIC SYNDROME, CONGENITAL, 18, WITH INTELLECTUAL DISABILITY AND ATAXIA. Identifiers: Orphanet 590, MedGen C4225364, MONDO:0014590, OMIM 616330.

gnomAD v4.1: 1 of 1,613,634 alleles (0.000062%); highest among the groups gnomAD compares: Non-Finnish European, 0.000085%; no homozygotes.

Submission:

Clinical Genetics Laboratory, University Hospital Schleswig-Holstein
Classification: Uncertain significance for Congenital myasthenic syndrome 18. Last evaluated: 2025-02-20. Review status: criteria provided, single submitter. Criteria: ACMG Guidelines, 2015. Collection method: clinical testing. Allele origin: maternal. Affected: yes. Observed: 1 heterozygote.
Comment: ACMG criteria applied: PM2, PP2, PP3, BS4_Supporting

Literature cited by the submitters: PubMed 33299146.